The following is an entry in ClinVar:

NM_003750.4(EIF3A):c.557T>G (p.Leu186Arg)

Gene: EIF3A (eukaryotic translation initiation factor 3 subunit A; minus strand). Cytogenetic location: 10q26.11.
Variant type: single nucleotide variant.
Coding change: c.557T>G on transcript NM_003750.4 (MANE Select); coding-DNA position 557, T replaced by G.
Protein change: p.Leu186Arg; replaces leucine 186 with arginine.
Molecular consequence: missense variant.
Genome position (GRCh38, 1-based): chr10:119,071,070, A>C on the plus strand (T>G on the coding strand, the complement: EIF3A is on the minus strand). VCF-style: chr10-119071070-A-C. GRCh37 (hg19) VCF-style: chr10-120830582-A-C.
Other names: short protein forms L186R.
Identifiers: ClinVar variation 4529732 (VCV004529732.1).
Genomic context (GRCh38, chr10:119,071,070, plus strand): 5'-GATAAGTGCATTCTCAAATTGTCACACAGTTTACGGAATTCAGCCTTACGCGTGTATTGG[A>C]GGCAGAATTTGAAAGCTATAAGCATAATTGTAAAATATATTAGGTACCTTCCACTATCTA-3'
Protein context (NP_003741.1, residues 176-196): DIAQQAFKFC[Leu186Arg]QYTRKAEFRK

ClinVar aggregate classification (germline): Uncertain significance (1 of 4 stars; one submission).

gnomAD v4.1: 1 of 1,613,512 alleles (0.000062%); highest among the groups gnomAD compares: Non-Finnish European, 0.000085%; no homozygotes.

Submission:

GeneDx
Classification: Uncertain significance. Last evaluated: 2024-03-07. Review status: criteria provided, single submitter. Criteria: GeneDx Variant Classification Process June 2021. Collection method: clinical testing. Allele origin: germline. Affected: yes.
Comment: Not observed at significant frequency in large population cohorts (gnomAD); In silico analysis supports that this missense variant has a deleterious effect on protein structure/function; Has not been previously published as pathogenic or benign to our knowledge; Variants in candidate genes are classified as variants of uncertain significance in accordance with ACMG guidelines (PMID: 25741868)